The following is an entry in ClinVar:

NM_001142800.2(EYS):c.3569-13T>G

Gene: EYS (EGF-like photoreceptor maintenance factor; minus strand). Cytogenetic location: 6q12.
Variant type: single nucleotide variant.
Coding change: c.3569-13T>G on transcript NM_001142800.2 (MANE Select); 13 bases into the intron before coding-DNA position 3569, T replaced by G.
Molecular consequence: intron variant.
Genome position (GRCh38, 1-based): chr6:64,617,546, A>C on the plus strand (T>G on the coding strand, the complement: EYS is on the minus strand). VCF-style: chr6-64617546-A-C. GRCh37 (hg19) VCF-style: chr6-65327439-A-C.
Other names: c.3569-13T>G (NM_001292009.2).
Identifiers: ClinVar variation 3722656 (VCV003722656.3).

ClinVar aggregate classification (germline): Uncertain significance. Review status: criteria provided, multiple submitters, no conflicts (2 of 4 stars). 2 submissions from 2 submitters: Uncertain significance (2). Last evaluated 2024-10-10.

gnomAD v4.1: 1 of 1,452,698 alleles (0.000069%); highest among the groups gnomAD compares: Non-Finnish European, 0.000094%; no homozygotes.

Submissions (2):

Labcorp Genetics (formerly Invitae), Labcorp
Classification: Uncertain significance. Last evaluated: 2024-10-10. Review status: criteria provided, single submitter. Criteria: Invitae Variant Classification Sherloc (09022015). Collection method: clinical testing. Allele origin: germline.
Comment: This sequence change falls in intron 23 of the EYS gene. It does not directly change the encoded amino acid sequence of the EYS protein. This variant is not present in population databases (gnomAD no frequency). This variant has not been reported in the literature in individuals affected with EYS-related conditions. Algorithms developed to predict the effect of sequence changes on RNA splicing suggest that this variant may disrupt the consensus splice site. In summary, the available evidence is currently insufficient to determine the role of this variant in disease. Therefore, it has been classified as a Variant of Uncertain Significance.

Blueprint Genetics
Classification: Uncertain significance. Last evaluated: 2019-10-08. Review status: criteria provided, single submitter. Criteria: ACMG Guidelines, 2015. Collection method: clinical testing. Allele origin: germline.